The following is an entry in ClinVar:

NM_020778.5(ALPK3):c.3648G>A (p.Thr1216=)

Gene: ALPK3 (alpha kinase 3; plus strand). Cytogenetic location: 15q25.3.
Variant type: single nucleotide variant.
Coding change: c.3648G>A on transcript NM_020778.5 (MANE Select); coding-DNA position 3648, G replaced by A.
Protein change: p.Thr1216=; no amino-acid change (threonine 1216 retained).
Molecular consequence: synonymous variant.
Genome position (GRCh38, 1-based): chr15:84,858,386, G>A. VCF-style: chr15-84858386-G-A. GRCh37 (hg19) VCF-style: chr15-85401617-G-A.
Identifiers: ClinVar variation 1659630 (VCV001659630.11), dbSNP rs548203307, ClinGen allele CA7709688.

ClinVar aggregate classification (germline): Likely benign. Review status: criteria provided, multiple submitters, no conflicts (2 of 4 stars). 3 submissions from 3 submitters: Likely benign (3). Last evaluated 2026-09-21.

Conditions:
Cardiovascular phenotype. Identifiers: MedGen CN230736.

Allele frequency attached by ClinVar (database versions not stated): 1000 Genomes Project 30x 0.00031; 1000 Genomes Project 0.00040; gnomAD 0.00001 and 0.00003; gnomAD exomes 0.00001; ExAC 0.00010.
gnomAD v4.1: 21 of 1,554,458 alleles (0.0014%); highest among the groups gnomAD compares: East Asian, 0.0024%; no homozygotes.

Submissions (3):

Molecular Diagnostic Laboratory for Inherited Cardiovascular Disease, Montreal Heart Institute
Classification: Likely benign. Last evaluated: 2026-09-21. Review status: criteria provided, single submitter. Criteria: ACMG Guidelines, 2015. Collection method: clinical testing. Allele origin: germline. Affected: no.
Comment: BP7

Labcorp Genetics (formerly Invitae), Labcorp
Classification: Likely benign. Last evaluated: 2025-09-01. Review status: criteria provided, single submitter. Criteria: Invitae Variant Classification Sherloc (09022015). Collection method: clinical testing. Allele origin: germline.

Ambry Genetics
Classification: Likely benign for Cardiovascular phenotype. Last evaluated: 2019-07-08. Review status: criteria provided, single submitter. Criteria: Ambry Variant Classification Scheme 2023. Collection method: clinical testing. Allele origin: germline.